The following is an entry in ClinVar:

NM_003000.3(SDHB):c.541-6A>G

Gene: SDHB (succinate dehydrogenase complex iron sulfur subunit B; minus strand). Cytogenetic location: 1p36.13.
Variant type: single nucleotide variant.
Coding change: c.541-6A>G on transcript NM_003000.3 (MANE Select); 6 bases into the intron before coding-DNA position 541, A replaced by G.
Molecular consequence: intron variant.
Genome position (GRCh38, 1-based): chr1:17,024,080, T>C on the plus strand (A>G on the coding strand, the complement: SDHB is on the minus strand). VCF-style: chr1-17024080-T-C. GRCh37 (hg19) VCF-style: chr1-17350575-T-C.
Identifiers: ClinVar variation 528751 (VCV000528751.12), dbSNP rs1195530396, ClinGen allele CA658795408.

ClinVar aggregate classification (germline): Conflicting classifications of pathogenicity. Review status: criteria provided, conflicting classifications (1 of 4 stars). 3 submissions from 3 submitters: Uncertain significance (1); Likely benign (2). Last evaluated 2025-08-06.

Conditions:
Pheochromocytoma/paraganglioma syndrome 4. Also called: SDHB-Related Hereditary Paraganglioma-Pheochromocytoma Syndrome; PARAGANGLIOMA, FAMILIAL MALIGNANT; PARAGANGLIOMAS, HEREDITARY EXTRAADRENAL; PHEOCHROMOCYTOMA, FAMILIAL EXTRAADRENAL; Paragangliomas 4; CAROTID BODY TUMORS AND MULTIPLE EXTRAADRENAL PHEOCHROMOCYTOMAS. Identifiers: Orphanet 29072, MedGen C1861848, MONDO:0007273, OMIM 115310.
Pheochromocytoma. Also called: MAX-Related Hereditary Paraganglioma-Pheochromocytoma Syndrome. Identifiers: Orphanet 29072, MedGen C0031511, MONDO:0008233, OMIM 171300, HP:0002666.
Gastrointestinal stromal tumor. Also called: Gastrointestinal stromal tumor, somatic; Gastrointestinal stroma tumor. Identifiers: Orphanet 44890, MedGen C0238198, MeSH D046152, MONDO:0011719, OMIM 606764, HP:0100723.

Allele frequency attached by ClinVar (database versions not stated): TOPMed below 0.00001.
gnomAD v4.1: 2 of 1,605,966 alleles (0.00012%); highest among the groups gnomAD compares: Non-Finnish European, 0.000085%; no homozygotes.

Submissions (3):

Labcorp Genetics (formerly Invitae), Labcorp
Classification: Likely benign for Gastrointestinal stromal tumor; Pheochromocytoma/paraganglioma syndrome 4; Pheochromocytoma. Last evaluated: 2025-08-06. Review status: criteria provided, single submitter. Criteria: Invitae Variant Classification Sherloc (09022015). Collection method: clinical testing. Allele origin: germline.

Quest Diagnostics Nichols Institute San Juan Capistrano
Classification: Uncertain significance. Last evaluated: 2025-03-21. Review status: criteria provided, single submitter. Criteria: Quest Diagnostics criteria. Collection method: clinical testing. Allele origin: unknown.

Myriad Genetics, Inc.
Classification: Likely benign for Pheochromocytoma/paraganglioma syndrome 4. Last evaluated: 2025-03-13. Review status: criteria provided, single submitter. Criteria: Myriad Autosomal Dominant, Autosomal Recessive and X-Linked Classification Criteria (2023). Collection method: clinical testing. Allele origin: unknown.
Comment: This variant is considered likely benign. This variant is intronic and is not expected to impact mRNA splicing.